The following is an entry in ClinVar:

NM_001081.4(CUBN):c.2922C>T (p.Phe974=)

Gene: CUBN (cubilin; minus strand). Cytogenetic location: 10p13.
Variant type: single nucleotide variant.
Coding change: c.2922C>T on transcript NM_001081.4 (MANE Select); coding-DNA position 2922, C replaced by T.
Protein change: p.Phe974=; no amino-acid change (phenylalanine 974 retained).
Molecular consequence: synonymous variant.
Genome position (GRCh38, 1-based): chr10:17,068,150, G>A on the plus strand (C>T on the coding strand, the complement: CUBN is on the minus strand). VCF-style: chr10-17068150-G-A. GRCh37 (hg19) VCF-style: chr10-17110149-G-A.
Identifiers: ClinVar variation 299496 (VCV000299496.55), dbSNP rs201802902, ClinGen allele CA5424825.

ClinVar aggregate classification (germline): Benign/Likely benign. Review status: criteria provided, multiple submitters, no conflicts (2 of 4 stars). 6 submissions from 6 submitters: Benign (1); Likely benign (4). 1 of the submissions does not count toward it. Last evaluated 2026-06-01.

Conditions:
Proteinuria, chronic benign. Identifiers: MedGen C5394384, MONDO:0030042, OMIM 618884.
Imerslund-Grasbeck syndrome type 1 (IGS1). Also called: MEGALOBLASTIC ANEMIA, 1; Imerslund-Gräsbeck syndrome 1; Megaloblastic anemia 1, Finnish type. Identifiers: MedGen C4016819, MONDO:0100156, OMIM 261100.
CUBN-related disorder. Also called: CUBN-related condition.
Imerslund-Grasbeck syndrome. Also called: Megaloblastic anemia due to inborn errors of metabolism; Imerslund-Gräsbeck syndrome; ENTEROCYTE COBALAMIN MALABSORPTION; ENTEROCYTE INTRINSIC FACTOR RECEPTOR, DEFECT OF; PERNICIOUS ANEMIA, JUVENILE, DUE TO SELECTIVE INTESTINAL MALABSORPTION OF VITAMIN B12, WITH PROTEINURIA. Identifiers: Orphanet 35858, MedGen C4551825, MONDO:0009853.

Allele frequency attached by ClinVar (database versions not stated): gnomAD 0.00014 and 0.00036; TOPMed 0.00014; ESP Exome Variant Server 0.00046; gnomAD exomes 0.00072; ExAC 0.00093; 1000 Genomes Project 0.00120; 1000 Genomes Project 30x 0.00156.
gnomAD v4.1: 760 of 1,613,496 alleles (0.047%); highest among the groups gnomAD compares: South Asian, 0.45%; 5 homozygotes.

Submissions (6):

CeGaT Center for Human Genetics Tuebingen
Classification: Likely benign. Last evaluated: 2026-06-01. Review status: criteria provided, single submitter. Criteria: CeGaT Center For Human Genetics Tuebingen Variant Classification Criteria Version 2. Collection method: clinical testing. Allele origin: germline. Affected: yes. Observed: 2 variant alleles.
Comment: CUBN: BP4, BP7

Labcorp Genetics (formerly Invitae), Labcorp
Classification: Benign for Imerslund-Grasbeck syndrome. Last evaluated: 2025-09-03. Review status: criteria provided, single submitter. Criteria: Invitae Variant Classification Sherloc (09022015). Collection method: clinical testing. Allele origin: germline.

Blueprint Genetics
Classification: Likely benign. Last evaluated: 2024-11-19. Review status: criteria provided, single submitter. Criteria: ACMG Guidelines, 2015. Collection method: clinical testing. Allele origin: germline.

Fulgent Genetics
Classification: Likely benign for Imerslund-Grasbeck syndrome type 1; Proteinuria, chronic benign. Last evaluated: 2021-09-15. Review status: criteria provided, single submitter. Criteria: ACMG Guidelines, 2015. Collection method: clinical testing. Allele origin: unknown.

Illumina Laboratory Services, Illumina
Classification: Likely benign for Imerslund-Grasbeck syndrome type 1. Last evaluated: 2018-01-13. Review status: criteria provided, single submitter. Criteria: ICSL Variant Classification Criteria 13 December 2019. Collection method: clinical testing. Allele origin: germline.
Comment: This variant was observed in the ICSL laboratory as part of a predisposition screen in an ostensibly healthy population. It had not been previously curated by ICSL or reported in the Human Gene Mutation Database (HGMD: prior to June 1st, 2018), and was therefore a candidate for classification through an automated scoring system. Utilizing variant allele frequency, disease prevalence and penetrance estimates, and inheritance mode, an automated score was calculated to assess if this variant is too frequent to cause the disease. Based on the score and internal cut-off values, a variant classified as likely benign is not then subjected to further curation. The score for this variant resulted in a classification of likely benign for this disease.

PreventionGenetics, part of Exact Sciences
Classification: Likely benign for CUBN-related condition. Last evaluated: 2019-05-30. Review status: no assertion criteria provided. Collection method: clinical testing. Allele origin: germline. Not counted in ClinVar's aggregate classification.
Comment: This variant is classified as likely benign based on ACMG/AMP sequence variant interpretation guidelines (Richards et al. 2015 PMID: 25741868, with internal and published modifications).